The following is an entry in ClinVar:

ClinVar aggregate classification (germline): Pathogenic (1 of 4 stars; one submission).

Conditions:
Charcot-Marie-Tooth disease type 4. Also called: Charcot-Marie-Tooth disease, type IV; Charcot-Marie-Tooth, Type 4. Identifiers: Orphanet 64749, MedGen C4082197, MONDO:0018995.

Submission:

Labcorp Genetics (formerly Invitae), Labcorp
Classification: Pathogenic for Charcot-Marie-Tooth disease type 4. Last evaluated: 2022-02-14. Review status: criteria provided, single submitter. Criteria: Invitae Variant Classification Sherloc (09022015). Collection method: clinical testing. Allele origin: germline.
Comment: For these reasons, this variant has been classified as Pathogenic. This variant has not been reported in the literature in individuals affected with SBF2-related conditions. This variant is not present in population databases (gnomAD no frequency). This sequence change creates a premature translational stop signal (p.Thr951Alafs*32) in the SBF2 gene. It is expected to result in an absent or disrupted protein product. Loss-of-function variants in SBF2 are known to be pathogenic (PMID: 12687498, 25873783).

Literature cited by the submitters: PubMed 12687498; PubMed 25873783.

NM_030962.4(SBF2):c.2850_2851insGCCT (p.Thr951fs)

Genes: SBF2 (SET binding factor 2; minus strand), LOC101928008 (uncharacterized LOC101928008; plus strand). Cytogenetic location: 11p15.4.
Variant type: Insertion.
Coding change: c.2850_2851insGCCT on transcript NM_030962.4 (MANE Select); coding-DNA positions 2850 to 2851, GCCT inserted.
Protein change: p.Thr951fs; shifts the reading frame from threonine 951.
Molecular consequence: frameshift variant.
Genome position: GRCh38 VCF-style: chr11-9847039-T-TAGGC. GRCh37 (hg19) VCF-style: chr11-9868586-T-TAGGC.
Other names: c.2850_2851insGCCT, p.Thr951fs (NM_001386339.1); c.2721_2722insGCCT, p.Thr908fs (NM_001386342.1); short protein forms T951fs, T908fs.
Identifiers: ClinVar variation 2090315 (VCV002090315.4), dbSNP rs2494800093, ClinGen allele CA2580085043.